The following is an entry in ClinVar:

NM_000051.4(ATM):c.3406C>G (p.His1136Asp)

Gene: ATM (ATM serine/threonine kinase; plus strand). Cytogenetic location: 11q22.3.
Variant type: single nucleotide variant.
Coding change: c.3406C>G on transcript NM_000051.4 (MANE Select); coding-DNA position 3406, C replaced by G.
Protein change: p.His1136Asp; replaces histidine 1136 with aspartic acid.
Molecular consequence: missense variant.
Genome position (GRCh38, 1-based): chr11:108,280,998, C>G. VCF-style: chr11-108280998-C-G. GRCh37 (hg19) VCF-style: chr11-108151725-C-G.
Other names: c.3406C>G, p.His1136Asp (NM_001351834.2); short protein forms H1136D.
Identifiers: ClinVar variation 920956 (VCV000920956.4), dbSNP rs2082202374, ClinGen allele CA382518847.

ClinVar aggregate classification (germline): Uncertain significance (1 of 4 stars; one submission).

Conditions:
Hereditary cancer-predisposing syndrome. Also called: Neoplastic Syndromes, Hereditary; Tumor predisposition; Hereditary Cancer Syndrome; Hereditary neoplastic syndrome. Identifiers: Orphanet 140162, MedGen C0027672, MeSH D009386, MONDO:0015356.

gnomAD v4.1: 1 of 1,608,280 alleles (0.000062%); highest among the groups gnomAD compares: Non-Finnish European, 0.000085%; no homozygotes.

Submission:

Color Diagnostics, LLC DBA Color Health
Classification: Uncertain significance for Hereditary cancer-predisposing syndrome. Last evaluated: 2023-12-05. Review status: criteria provided, single submitter. Criteria: ACMG Guidelines, 2015. Collection method: clinical testing. Allele origin: germline.
Comment: This missense variant replaces histidine with aspartic acid at codon 1136 of the ATM protein. Computational prediction suggests that this variant may not impact protein structure and function (internally defined REVEL score threshold <= 0.5, PMID: 27666373). To our knowledge, functional studies have not been reported for this variant. This variant has not been reported in individuals affected with ATM-related disorders in the literature. This variant has not been identified in the general population by the Genome Aggregation Database (gnomAD). The available evidence is insufficient to determine the role of this variant in disease conclusively. Therefore, this variant is classified as a Variant of Uncertain Significance.